The following is an entry in ClinVar:

NM_018389.5(SLC35C1):c.375C>G (p.Ile125Met)

Gene: SLC35C1 (solute carrier family 35 member C1; plus strand). Cytogenetic location: 11p11.2.
Variant type: single nucleotide variant.
Coding change: c.375C>G on transcript NM_018389.5 (MANE Select); coding-DNA position 375, C replaced by G.
Protein change: p.Ile125Met; replaces isoleucine 125 with methionine.
Molecular consequence: missense variant.
Genome position (GRCh38, 1-based): chr11:45,806,176, C>G. VCF-style: chr11-45806176-C-G. GRCh37 (hg19) VCF-style: chr11-45827727-C-G.
Other names: c.336C>G, p.Ile112Met (NM_001145265.2, NM_001145266.2); short protein forms I112M, I125M.
Identifiers: ClinVar variation 965658 (VCV000965658.8), dbSNP rs747143721, ClinGen allele CA380202843.

ClinVar aggregate classification (germline): Uncertain significance. Review status: criteria provided, multiple submitters, no conflicts (2 of 4 stars). 2 submissions from 2 submitters: Uncertain significance (2). Last evaluated 2025-01-06.

Conditions:
Leukocyte adhesion deficiency type II. Also called: Congenital disorder of glycosylation type 2C; CDG 2C; Leukocyte adhesion deficiency type 2; Rambam Hasharon syndrome; CONGENITAL DISORDER OF GLYCOSYLATION, TYPE IIc; CDG IIc. Identifiers: Orphanet 2968, Orphanet 99843, MedGen C0398739, MONDO:0009953, OMIM 266265.

Submissions (2):

Labcorp Genetics (formerly Invitae), Labcorp
Classification: Uncertain significance for Leukocyte adhesion deficiency type II. Last evaluated: 2025-01-06. Review status: criteria provided, single submitter. Criteria: Invitae Variant Classification Sherloc (09022015). Collection method: clinical testing. Allele origin: germline.
Comment: This sequence change replaces isoleucine, which is neutral and non-polar, with methionine, which is neutral and non-polar, at codon 125 of the SLC35C1 protein (p.Ile125Met). This variant is not present in population databases (gnomAD no frequency). This variant has not been reported in the literature in individuals affected with SLC35C1-related conditions. ClinVar contains an entry for this variant (Variation ID: 965658). Invitae Evidence Modeling of protein sequence and biophysical properties (such as structural, functional, and spatial information, amino acid conservation, physicochemical variation, residue mobility, and thermodynamic stability) indicates that this missense variant is not expected to disrupt SLC35C1 protein function with a negative predictive value of 80%. In summary, the available evidence is currently insufficient to determine the role of this variant in disease. Therefore, it has been classified as a Variant of Uncertain Significance.

Baylor Genetics
Classification: Uncertain significance for Leukocyte adhesion deficiency type II. Last evaluated: 2019-02-08. Review status: criteria provided, single submitter. Criteria: ACMG Guidelines, 2015. Collection method: clinical testing. Allele origin: maternal. Affected: yes.
Comment: This variant was determined to be of uncertain significance according to ACMG Guidelines, 2015 [PMID:25741868].